The following is an entry in ClinVar:

ClinVar aggregate classification (germline): Uncertain significance (1 of 4 stars; one submission).

Allele frequency attached by ClinVar (database versions not stated): gnomAD exomes below 0.00001 and 0.00001.
gnomAD v4.1: 7 of 1,211,028 alleles (0.00058%); highest among the groups gnomAD compares: Non-Finnish European, 0.00034%; no homozygotes.

Submission:

GeneDx
Classification: Uncertain significance. Last evaluated: 2019-06-10. Review status: criteria provided, single submitter. Criteria: GeneDx Variant Classification Process June 2021. Collection method: clinical testing. Allele origin: germline. Affected: yes.
Comment: In silico analysis, which includes protein predictors and evolutionary conservation, supports a deleterious effect; Has not been previously published as pathogenic or benign to our knowledge

NM_004840.3(ARHGEF6):c.1343G>A (p.Gly448Glu)

Gene: ARHGEF6 (Rac/Cdc42 guanine nucleotide exchange factor 6; minus strand). Cytogenetic location: Xq26.3.
Variant type: single nucleotide variant.
Coding change: c.1343G>A on transcript NM_004840.3 (MANE Select); coding-DNA position 1343, G replaced by A.
Protein change: p.Gly448Glu; replaces glycine 448 with glutamic acid.
Molecular consequence: missense variant.
Genome position (GRCh38, 1-based): chrX:136,685,726, C>T on the plus strand (G>A on the coding strand, the complement: ARHGEF6 is on the minus strand). VCF-style: chrX-136685726-C-T. GRCh37 (hg19) VCF-style: chrX-135767885-C-T.
Other names: c.881G>A, p.Gly294Glu (NM_001306177.2); short protein forms G294E, G448E.
Identifiers: ClinVar variation 1198586 (VCV001198586.2), dbSNP rs1197265475, ClinGen allele CA414761303.
Genomic context (GRCh38, chrX:136,685,726, plus strand): 5'-AAATACCTTACCTCACATGCTCCATACTGCACCATTACTTGTGACATAAAAATCACATTT[C>T]CCAAGTTTTTAATATCTTCTCCTTCCCATGCCTGAATAGGTTCGGACAGTATCTGTAACT-3'
Protein context (NP_004831.1, residues 438-458): AWEGEDIKNL[Gly448Glu]NVIFMSQVMV